The following is an entry in ClinVar:

NM_001793.6(CDH3):c.1871A>G (p.His624Arg)

Gene: CDH3 (cadherin 3; plus strand). Cytogenetic location: 16q22.1.
Variant type: single nucleotide variant.
Coding change: c.1871A>G on transcript NM_001793.6 (MANE Select); coding-DNA position 1871, A replaced by G.
Protein change: p.His624Arg; replaces histidine 624 with arginine.
Molecular consequence: missense variant.
Genome position (GRCh38, 1-based): chr16:68,691,795, A>G. VCF-style: chr16-68691795-A-G. GRCh37 (hg19) VCF-style: chr16-68725698-A-G.
Other names: c.1871A>G, p.His624Arg (NM_001317195.3); c.1706A>G, p.His569Arg (NM_001317196.2); short protein forms H624R, H569R.
Identifiers: ClinVar variation 2013829 (VCV002013829.4), dbSNP rs770758498, ClinGen allele CA8129501.

ClinVar aggregate classification (germline): Uncertain significance (1 of 4 stars; one submission).

Allele frequency attached by ClinVar (database versions not stated): ExAC 0.00001; gnomAD 0.00001; gnomAD exomes 0.00001; TOPMed 0.00001.
gnomAD v4.1: 8 of 1,614,058 alleles (0.0005%); highest among the groups gnomAD compares: Admixed American, 0.0067%; no homozygotes.

Submission:

Labcorp Genetics (formerly Invitae), Labcorp
Classification: Uncertain significance. Last evaluated: 2022-03-12. Review status: criteria provided, single submitter. Criteria: Invitae Variant Classification Sherloc (09022015). Collection method: clinical testing. Allele origin: germline.
Comment: Algorithms developed to predict the effect of missense changes on protein structure and function output the following: SIFT: "Not Available"; PolyPhen-2: "Benign"; Align-GVGD: "Not Available". The arginine amino acid residue is found in multiple mammalian species, which suggests that this missense change does not adversely affect protein function. In summary, the available evidence is currently insufficient to determine the role of this variant in disease. Therefore, it has been classified as a Variant of Uncertain Significance. This sequence change replaces histidine, which is basic and polar, with arginine, which is basic and polar, at codon 624 of the CDH3 protein (p.His624Arg). This variant is present in population databases (rs770758498, gnomAD 0.0009%). This variant has not been reported in the literature in individuals affected with CDH3-related conditions.